The following is an entry in ClinVar:

NM_001458.5(FLNC):c.2300T>A (p.Val767Glu)

Gene: FLNC (filamin C; plus strand). Cytogenetic location: 7q32.1.
Variant type: single nucleotide variant.
Coding change: c.2300T>A on transcript NM_001458.5 (MANE Select); coding-DNA position 2300, T replaced by A.
Protein change: p.Val767Glu; replaces valine 767 with glutamic acid.
Molecular consequence: missense variant.
Genome position (GRCh38, 1-based): chr7:128,842,609, T>A. VCF-style: chr7-128842609-T-A. GRCh37 (hg19) VCF-style: chr7-128482663-T-A.
Other names: c.2300T>A, p.Val767Glu (NM_001127487.2); short protein forms V767E.
Identifiers: ClinVar variation 1789291 (VCV001789291.2), dbSNP rs2536631416, ClinGen allele CA369191139.
Genomic context (GRCh38, chr7:128,842,609, plus strand): 5'-ACGCTGAGCTGCGACCCCTCCCGCAGGTGAACGTGGGCGAGGGCAGCCACCCCGAGCGGG[T>A]AAAGGTGTACGGCCCCGGAGTGGAGAAGACAGGCCTCAAGGCCAATGAGCCCACCTACTT-3'
Protein context (NP_001449.3, residues 757-777): NVGEGSHPER[Val767Glu]KVYGPGVEKT

ClinVar aggregate classification (germline): Uncertain significance (1 of 4 stars; one submission).

Conditions:
Cardiovascular phenotype. Identifiers: MedGen CN230736.

Submission:

Ambry Genetics
Classification: Uncertain significance for Cardiovascular phenotype. Last evaluated: 2022-05-21. Review status: criteria provided, single submitter. Criteria: Ambry Variant Classification Scheme 2023. Collection method: clinical testing. Allele origin: germline.
Comment: The p.V767E variant (also known as c.2300T>A), located in coding exon 15 of the FLNC gene, results from a T to A substitution at nucleotide position 2300. The valine at codon 767 is replaced by glutamic acid, an amino acid with dissimilar properties. This amino acid position is conserved. In addition, this alteration is predicted to be deleterious by in silico analysis. Since supporting evidence is limited at this time, the clinical significance of this alteration remains unclear.